The following is an entry in ClinVar:

ClinVar aggregate classification (germline): Uncertain significance. Review status: criteria provided, multiple submitters, no conflicts (2 of 4 stars). 3 submissions from 3 submitters: Uncertain significance (2). 1 of the submissions does not count toward it. Last evaluated 2025-10-07.

Conditions:
Retinal dystrophy. Also called: Inherited retinal dystrophy. Identifiers: Orphanet 71862, MedGen C0854723, MeSH D058499, MONDO:0019118, HP:0000556.
Inborn genetic diseases. Identifiers: MedGen C0950123, MeSH D030342.

Allele frequency attached by ClinVar (database versions not stated): gnomAD 0.00007; ExAC 0.00002; TOPMed 0.00011.
gnomAD v4.1: 95 of 1,614,128 alleles (0.0059%); highest among the groups gnomAD compares: Middle Eastern, 0.017%; no homozygotes.

Submissions (3):

Ambry Genetics
Classification: Uncertain significance for Inborn genetic diseases. Last evaluated: 2025-10-07. Review status: criteria provided, single submitter. Criteria: Ambry Variant Classification Scheme 2023. Collection method: clinical testing. Allele origin: germline.

Labcorp Genetics (formerly Invitae), Labcorp
Classification: Uncertain significance. Last evaluated: 2024-10-22. Review status: criteria provided, single submitter. Criteria: Invitae Variant Classification Sherloc (09022015). Collection method: clinical testing. Allele origin: germline.
Comment: This sequence change replaces arginine, which is basic and polar, with glutamine, which is neutral and polar, at codon 953 of the SNRNP200 protein (p.Arg953Gln). This variant is present in population databases (rs759448209, gnomAD 0.01%). This variant has not been reported in the literature in individuals affected with SNRNP200-related conditions. ClinVar contains an entry for this variant (Variation ID: 2057993). Invitae Evidence Modeling of protein sequence and biophysical properties (such as structural, functional, and spatial information, amino acid conservation, physicochemical variation, residue mobility, and thermodynamic stability) has been performed for this missense variant. However, the output from this modeling did not meet the statistical confidence thresholds required to predict the impact of this variant on SNRNP200 protein function. In summary, the available evidence is currently insufficient to determine the role of this variant in disease. Therefore, it has been classified as a Variant of Uncertain Significance.

Institute of Human Genetics, Univ. Regensburg, Univ. Regensburg
Classification: Uncertain significance for Retinal dystrophy. Last evaluated: 2023-01-01. Review status: no assertion criteria provided. Criteria: ACMG Guidelines, 2015. Collection method: clinical testing. Allele origin: germline. Affected: yes. Not counted in ClinVar's aggregate classification.

NM_014014.5(SNRNP200):c.2858G>A (p.Arg953Gln)

Gene: SNRNP200 (small nuclear ribonucleoprotein U5 subunit 200; minus strand). Cytogenetic location: 2q11.2.
Variant type: single nucleotide variant.
Coding change: c.2858G>A on transcript NM_014014.5 (MANE Select); coding-DNA position 2858, G replaced by A.
Protein change: p.Arg953Gln; replaces arginine 953 with glutamine.
Molecular consequence: missense variant.
Genome position (GRCh38, 1-based): chr2:96,289,881, C>T on the plus strand (G>A on the coding strand, the complement: SNRNP200 is on the minus strand). VCF-style: chr2-96289881-C-T. GRCh37 (hg19) VCF-style: chr2-96955619-C-T.
Other names: short protein forms R953Q.
Identifiers: ClinVar variation 2057993 (VCV002057993.7), dbSNP rs759448209, ClinGen allele CA1778608.